The following is an entry in ClinVar:

ClinVar aggregate classification (germline): Benign/Likely benign. Review status: criteria provided, multiple submitters, no conflicts (2 of 4 stars). 10 submissions from 9 submitters: Benign (1); Likely benign (8). 1 of the submissions does not count toward it. Last evaluated 2026-02-03.

Conditions:
KCNT1-related disorder. Also called: KCNT1-related condition.
Inborn genetic diseases. Identifiers: MedGen C0950123, MeSH D030342.
Developmental and epileptic encephalopathy, 14 (DEE14). Also called: Early infantile epileptic encephalopathy 14. Identifiers: Orphanet 293181, MedGen C3554195, MONDO:0013989, OMIM 614959.
Autosomal dominant nocturnal frontal lobe epilepsy 5. Also called: KCNT1-Related Epilepsy; Epilepsy, nocturnal frontal lobe, 5; CILIARY DYSKINESIA, PRIMARY, 28, WITHOUT SITUS INVERSUS; CILIARY DYSKINESIA, PRIMARY, 28, WITH SITUS INVERSUS. Identifiers: Orphanet 98784, MedGen C3554306, MONDO:0014002, OMIM 615005.

Allele frequency attached by ClinVar (database versions not stated): gnomAD 0.00014 and 0.00023; TOPMed 0.00025; 1000 Genomes Project 0.00120; 1000 Genomes Project 30x 0.00156.
gnomAD v4.1: 270 of 1,593,924 alleles (0.017%); highest among the groups gnomAD compares: East Asian, 0.37%; no homozygotes.

Submissions (10):

Labcorp Genetics (formerly Invitae), Labcorp
Classification: Likely benign for Autosomal dominant nocturnal frontal lobe epilepsy 5; Developmental and epileptic encephalopathy, 14. Last evaluated: 2026-02-03. Review status: criteria provided, single submitter. Criteria: Invitae Variant Classification Sherloc (09022015). Collection method: clinical testing. Allele origin: germline.

Women's Health and Genetics/Laboratory Corporation of America, LabCorp
Classification: Likely benign. Last evaluated: 2025-02-21. Review status: criteria provided, single submitter. Criteria: LabCorp Variant Classification Summary - May 2015. Collection method: clinical testing. Allele origin: germline.
Comment: Variant summary: KCNT1 c.3317G>A (p.Arg1106Gln) results in a conservative amino acid change in the encoded protein sequence. Three of five in-silico tools predict a damaging effect of the variant on protein function. The variant allele was found at a frequency of 0.00039 in 198616 control chromosomes, predominantly at a frequency of 0.0041 within the East Asian subpopulation in the gnomAD database. The observed variant frequency within East Asian control individuals in the gnomAD database exceeds the estimated maximal expected allele frequency for a pathogenic variant in KCNT1 causing Developmental And Epileptic Encephalopathy, 14 phenotype. c.3317G>A has been reported in the literature in at least one individual affected with seizures and syncope, but was also detected in multiple control individuals (Juang_2014). This report does not provide unequivocal conclusions about association of the variant with Developmental And Epileptic Encephalopathy, 14. The following publication has been ascertained in the context of this evaluation (PMID: 25339316). ClinVar contains an entry for this variant (Variation ID: 279821). Based on the evidence outlined above, the variant was classified as likely benign.

CeGaT Center for Human Genetics Tuebingen
Classification: Benign. Last evaluated: 2024-04-01. Review status: criteria provided, single submitter. Criteria: CeGaT Center For Human Genetics Tuebingen Variant Classification Criteria Version 2. Collection method: clinical testing. Allele origin: germline. Affected: yes. Observed: 2 variant alleles.
Comment: KCNT1: BS1, BS2

Genome-Nilou Lab
Classification: Likely benign for Developmental and epileptic encephalopathy, 14. Last evaluated: 2022-03-15. Review status: criteria provided, single submitter. Criteria: ACMG Guidelines, 2015. Collection method: clinical testing. Allele origin: germline. Affected: no.

Genome-Nilou Lab
Classification: Likely benign for Autosomal dominant nocturnal frontal lobe epilepsy 5. Last evaluated: 2022-03-15. Review status: criteria provided, single submitter. Criteria: ACMG Guidelines, 2015. Collection method: clinical testing. Allele origin: germline. Affected: no.

Fulgent Genetics
Classification: Likely benign for Developmental and epileptic encephalopathy, 14; Autosomal dominant nocturnal frontal lobe epilepsy 5. Last evaluated: 2021-10-11. Review status: criteria provided, single submitter. Criteria: ACMG Guidelines, 2015. Collection method: clinical testing. Allele origin: unknown.

GeneDx
Classification: Likely benign. Last evaluated: 2021-05-27. Review status: criteria provided, single submitter. Criteria: GeneDx Variant Classification Process June 2021. Collection method: clinical testing. Allele origin: germline. Affected: yes.
Comment: This variant is associated with the following publications: (PMID: 32883383, 30821013, 29870100, 30662450, 26740507, 25339316, 31872048)

Ambry Genetics
Classification: Likely benign for Inborn genetic diseases. Last evaluated: 2018-02-14. Review status: criteria provided, single submitter. Criteria: Ambry Variant Classification Scheme 2023. Collection method: clinical testing. Allele origin: germline.

Breakthrough Genomics
Classification: Likely benign. Review status: criteria provided, single submitter. Criteria: ACMG Guidelines, 2015. Collection method: not provided. Allele origin: germline. Inheritance: Autosomal dominant inheritance. Affected: yes.

PreventionGenetics, part of Exact Sciences
Classification: Likely benign for KCNT1-related condition. Last evaluated: 2023-08-24. Review status: no assertion criteria provided. Collection method: clinical testing. Allele origin: germline. Not counted in ClinVar's aggregate classification.
Comment: This variant is classified as likely benign based on ACMG/AMP sequence variant interpretation guidelines (Richards et al. 2015 PMID: 25741868, with internal and published modifications).

Literature cited by the submitters: PubMed 25339316 (cited by Women's Health and Genetics/Laboratory Corporation of America, LabCorp and Ambry Genetics).

NM_020822.3(KCNT1):c.3317G>A (p.Arg1106Gln)

Gene: KCNT1 (potassium sodium-activated channel subfamily T member 1; plus strand). Cytogenetic location: 9q34.3.
Variant type: single nucleotide variant.
Coding change: c.3317G>A on transcript NM_020822.3 (MANE Select); coding-DNA position 3317, G replaced by A.
Protein change: p.Arg1106Gln; replaces arginine 1106 with glutamine.
Molecular consequence: missense variant.
Genome position (GRCh38, 1-based): chr9:135,786,336, G>A. VCF-style: chr9-135786336-G-A. GRCh37 (hg19) VCF-style: chr9-138678182-G-A.
Other names: c.3182G>A, p.Arg1061Gln (NM_001272003.2); short protein forms R1106Q, R1061Q.
Identifiers: ClinVar variation 279821 (VCV000279821.46), dbSNP rs561255614, ClinGen allele CA5327779.